The following is an entry in ClinVar:

ClinVar aggregate classification (germline): Pathogenic (1 of 4 stars; one submission).

Conditions:
Retinitis pigmentosa 73 (RP73). Identifiers: Orphanet 791, MedGen C4225287, MONDO:0014687, OMIM 616544.
Mucopolysaccharidosis, MPS-III-C (MPS3C). Also called: SANFILIPPO SYNDROME C; MPS III C; Mucopolysaccharidosis type IIIC (Sanfilippo C); MUCOPOLYSACCHARIDOSIS, TYPE IIIC; mucopolysaccharidosis type 3C; MPS IIIC (Sanfilippo Syndrome Type C). Identifiers: Orphanet 581, Orphanet 79271, MedGen C0086649, MONDO:0009657, OMIM 252930.

Allele frequency attached by ClinVar (database versions not stated): gnomAD exomes below 0.00001.
gnomAD v4.1: 1 of 1,613,822 alleles (0.000062%); highest among the groups gnomAD compares: Non-Finnish European, 0.000085%; no homozygotes.

Submission:

Labcorp Genetics (formerly Invitae), Labcorp
Classification: Pathogenic for Retinitis pigmentosa 73; Mucopolysaccharidosis, MPS-III-C. Last evaluated: 2025-03-17. Review status: criteria provided, single submitter. Criteria: Invitae Variant Classification Sherloc (09022015). Collection method: clinical testing. Allele origin: germline.
Comment: This sequence change creates a premature translational stop signal (p.Gln82*) in the HGSNAT gene. It is expected to result in an absent or disrupted protein product. Loss-of-function variants in HGSNAT are known to be pathogenic (PMID: 17033958, 19479962, 25859010). This variant is not present in population databases (gnomAD no frequency). This variant has not been reported in the literature in individuals affected with HGSNAT-related conditions. ClinVar contains an entry for this variant (Variation ID: 2002352). For these reasons, this variant has been classified as Pathogenic.

Literature cited by the submitters: PubMed 17033958; PubMed 19479962; PubMed 25859010.

NM_152419.3(HGSNAT):c.244C>T (p.Gln82Ter)

Gene: HGSNAT (heparan-alpha-glucosaminide N-acetyltransferase; plus strand). Cytogenetic location: 8p11.21.
Variant type: single nucleotide variant.
Coding change: c.244C>T on transcript NM_152419.3 (MANE Select); coding-DNA position 244, C replaced by T.
Protein change: p.Gln82Ter; replaces glutamine 82 with a stop codon.
Molecular consequence: nonsense. On other transcripts: 5 prime UTR variant (1).
Genome position (GRCh38, 1-based): chr8:43,158,584, C>T. VCF-style: chr8-43158584-C-T. GRCh37 (hg19) VCF-style: chr8-43013727-C-T.
Other names: c.244C>T, p.Gln82Ter (NM_001363227.2, NM_001363228.2); c.-590C>T (NM_001363229.2); short protein forms Q82*.
Identifiers: ClinVar variation 2002352 (VCV002002352.4), dbSNP rs2486904791, ClinGen allele CA371125042.